The following is an entry in ClinVar:

ClinVar aggregate classification (germline): Benign (1 of 4 stars; one submission).

Submission:

GeneDx
Classification: Benign. Last evaluated: 2018-06-14. Review status: criteria provided, single submitter. Criteria: GeneDx Variant Classification (06012015). Collection method: clinical testing. Allele origin: germline. Affected: yes.
Comment: This variant is considered likely benign or benign based on one or more of the following criteria: it is a conservative change, it occurs at a poorly conserved position in the protein, it is predicted to be benign by multiple in silico algorithms, and/or has population frequency not consistent with disease.

NM_001457.4(FLNB):c.1484-90del

Gene: FLNB (filamin B; plus strand). Cytogenetic location: 3p14.3.
Variant type: Deletion.
Coding change: c.1484-90del on transcript NM_001457.4 (MANE Select); 90 bases into the intron before coding-DNA position 1484, one base deleted (T; older notation c.1484-90delT).
Molecular consequence: intron variant.
Genome position (GRCh38, 1-based): chr3:58,103,869, T deleted; the last of 2 consecutive T bases (chr3:58,103,868-58,103,869); deleting either gives the same sequence. VCF-style (leftmost placement, unchanged base first): chr3-58103867-GT-G. GRCh37 (hg19) VCF-style: chr3-58089594-GT-G.
Other names: c.1484-90del (NM_001164317.2, NM_001164318.2, NM_001164319.2).
Identifiers: ClinVar variation 673073 (VCV000673073.1), dbSNP rs3215311, ClinGen allele CA75429594.